The following is an entry in ClinVar:

NM_032737.4(LMNB2):c.1240G>A (p.Val414Ile)

Gene: LMNB2 (lamin B2; minus strand). Cytogenetic location: 19p13.3.
Variant type: single nucleotide variant.
Coding change: c.1240G>A on transcript NM_032737.4 (MANE Select); coding-DNA position 1240, G replaced by A.
Protein change: p.Val414Ile; replaces valine 414 with isoleucine.
Molecular consequence: missense variant.
Genome position (GRCh38, 1-based): chr19:2,434,068, C>T on the plus strand (G>A on the coding strand, the complement: LMNB2 is on the minus strand). VCF-style: chr19-2434068-C-T. GRCh37 (hg19) VCF-style: chr19-2434066-C-T.
Other names: short protein forms V414I.
Identifiers: ClinVar variation 1506082 (VCV001506082.8), dbSNP rs771541316, ClinGen allele CA9067559.
Genomic context (GRCh38, chr19:2,434,068, plus strand): 5'-TGCGGCCCAGGCGCCCGGTGGCGGACAAGCTGCCGCTGCTGCTCGAGGTGGCTCGTGAGA[C>T]GGTGACGCGCGAGGATGGGCTGGGGGACAGCTTCAGCCTGTGGGGAAGGCAAGGAAGGTG-3'
Protein context (NP_116126.3, residues 404-424): LSPSPSSRVT[Val414Ile]SRATSSSSGS

ClinVar aggregate classification (germline): Uncertain significance (1 of 4 stars; one submission).

Conditions:
Lipodystrophy, partial, acquired, susceptibility to (APLD). Also called: APLD, SUSCEPTIBILITY TO. Identifiers: MedGen C3887501, MONDO:0100476, OMIM 608709.
Progressive myoclonic epilepsy type 9. Identifiers: Orphanet 457265, MedGen C4225289, MONDO:0014685, OMIM 616540.

Allele frequency attached by ClinVar (database versions not stated): gnomAD exomes 0.00001 and 0.00002; ExAC 0.00002.

Submission:

Labcorp Genetics (formerly Invitae), Labcorp
Classification: Uncertain significance for Progressive myoclonic epilepsy type 9; Lipodystrophy, partial, acquired, susceptibility to. Last evaluated: 2024-01-15. Review status: criteria provided, single submitter. Criteria: Invitae Variant Classification Sherloc (09022015). Collection method: clinical testing. Allele origin: germline.
Comment: This sequence change replaces valine, which is neutral and non-polar, with isoleucine, which is neutral and non-polar, at codon 414 of the LMNB2 protein (p.Val414Ile). The frequency data for this variant in the population databases is considered unreliable, as metrics indicate poor data quality at this position in the gnomAD database. This variant has not been reported in the literature in individuals affected with LMNB2-related conditions. ClinVar contains an entry for this variant (Variation ID: 1506082). Advanced modeling of protein sequence and biophysical properties (such as structural, functional, and spatial information, amino acid conservation, physicochemical variation, residue mobility, and thermodynamic stability) performed at Invitae indicates that this missense variant is not expected to disrupt LMNB2 protein function with a negative predictive value of 80%. In summary, the available evidence is currently insufficient to determine the role of this variant in disease. Therefore, it has been classified as a Variant of Uncertain Significance.